The following is an entry in ClinVar:

ClinVar aggregate classification (germline): Likely benign (0 of 4 stars; one submission).

Conditions:
VWA2-related disorder. Also called: VWA2-related condition.

Allele frequency attached by ClinVar (database versions not stated): ExAC 0.00002; gnomAD exomes 0.00002; TOPMed 0.00006; ESP Exome Variant Server 0.00008; gnomAD 0.00008.
gnomAD v4.1: 48 of 1,613,304 alleles (0.003%); highest among the groups gnomAD compares: African/African-American, 0.019%; no homozygotes.

Submission:

PreventionGenetics, part of Exact Sciences
Classification: Likely benign for VWA2-related condition. Last evaluated: 2019-02-22. Review status: no assertion criteria provided. Collection method: clinical testing. Allele origin: germline.
Comment: This variant is classified as likely benign based on ACMG/AMP sequence variant interpretation guidelines (Richards et al. 2015 PMID: 25741868, with internal and published modifications).

NM_001272046.2(VWA2):c.648C>T (p.Asn216=)

Gene: VWA2 (von Willebrand factor A domain containing 2; plus strand). Cytogenetic location: 10q25.3.
Variant type: single nucleotide variant.
Coding change: c.648C>T on transcript NM_001272046.2 (MANE Select); coding-DNA position 648, C replaced by T.
Protein change: p.Asn216=; no amino-acid change (asparagine 216 retained).
Molecular consequence: synonymous variant.
Genome position (GRCh38, 1-based): chr10:114,277,995, C>T. VCF-style: chr10-114277995-C-T. GRCh37 (hg19) VCF-style: chr10-116037754-C-T.
Other names: c.648C>T, p.Asn216= (NM_001320804.1).
Identifiers: ClinVar variation 3048362 (VCV003048362.2), dbSNP rs372110914, ClinGen allele CA5700388.